The following is an entry in ClinVar:

ClinVar aggregate classification (germline): Uncertain significance (1 of 4 stars; one submission).

Conditions:
Neuroblastoma, susceptibility to, 3. Also called: ALK-Related Neuroblastic Tumor Susceptibility. Identifiers: Orphanet 635, MedGen C2751681, MONDO:0013083, OMIM 613014.

Allele frequency attached by ClinVar (database versions not stated): gnomAD exomes below 0.00001; ExAC 0.00001.
gnomAD v4.1: 3 of 1,614,206 alleles (0.00019%); highest among the groups gnomAD compares: South Asian, 0.0033%; no homozygotes.

Submission:

Labcorp Genetics (formerly Invitae), Labcorp
Classification: Uncertain significance for Neuroblastoma, susceptibility to, 3. Last evaluated: 2022-03-24. Review status: criteria provided, single submitter. Criteria: Invitae Variant Classification Sherloc (09022015). Collection method: clinical testing. Allele origin: germline.
Comment: This variant is present in population databases (rs752701859, gnomAD 0.003%). This sequence change replaces glutamic acid, which is acidic and polar, with glutamine, which is neutral and polar, at codon 1536 of the ALK protein (p.Glu1536Gln). This variant has not been reported in the literature in individuals affected with ALK-related conditions. In summary, the available evidence is currently insufficient to determine the role of this variant in disease. Therefore, it has been classified as a Variant of Uncertain Significance. Algorithms developed to predict the effect of missense changes on protein structure and function are either unavailable or do not agree on the potential impact of this missense change (SIFT: "Deleterious"; PolyPhen-2: "Benign"; Align-GVGD: "Class C25"). ClinVar contains an entry for this variant (Variation ID: 863668).

NM_004304.5(ALK):c.4606G>C (p.Glu1536Gln)

Gene: ALK (ALK receptor tyrosine kinase; minus strand). Cytogenetic location: 2p23.2.
Variant type: single nucleotide variant.
Coding change: c.4606G>C on transcript NM_004304.5 (MANE Select); coding-DNA position 4606, G replaced by C.
Protein change: p.Glu1536Gln; replaces glutamic acid 1536 with glutamine.
Molecular consequence: missense variant.
Genome position (GRCh38, 1-based): chr2:29,193,481, C>G on the plus strand (G>C on the coding strand, the complement: ALK is on the minus strand). VCF-style: chr2-29193481-C-G. GRCh37 (hg19) VCF-style: chr2-29416347-C-G.
Other names: c.1402G>C, p.Glu468Gln (NM_001353765.2); short protein forms E1536Q, E468Q.
Identifiers: ClinVar variation 863668 (VCV000863668.9), dbSNP rs752701859, ClinGen allele CA1593530.